The following is an entry in ClinVar:

ClinVar aggregate classification (germline): Benign. Review status: criteria provided, multiple submitters, no conflicts (2 of 4 stars). 3 submissions from 3 submitters: Benign (2). 1 of the submissions does not count toward it. Last evaluated 2026-01-05.

Conditions:
MPDZ-related disorder. Also called: MPDZ-related condition.

Allele frequency attached by ClinVar (database versions not stated): 1000 Genomes Project 0.00020; 1000 Genomes Project 30x 0.00047; TOPMed 0.00067.
gnomAD v4.1: 356 of 1,613,448 alleles (0.022%); highest among the groups gnomAD compares: East Asian, 0.68%; 2 homozygotes.

Submissions (3):

Labcorp Genetics (formerly Invitae), Labcorp
Classification: Benign. Last evaluated: 2026-01-05. Review status: criteria provided, single submitter. Criteria: Invitae Variant Classification Sherloc (09022015). Collection method: clinical testing. Allele origin: germline.

Breakthrough Genomics
Classification: Benign. Review status: criteria provided, single submitter. Criteria: ACMG Guidelines, 2015. Collection method: not provided. Allele origin: germline. Inheritance: Autosomal recessive inheritance. Affected: yes.

PreventionGenetics, part of Exact Sciences
Classification: Likely benign for MPDZ-related condition. Last evaluated: 2023-01-03. Review status: no assertion criteria provided. Collection method: clinical testing. Allele origin: germline. Not counted in ClinVar's aggregate classification.
Comment: This variant is classified as likely benign based on ACMG/AMP sequence variant interpretation guidelines (Richards et al. 2015 PMID: 25741868, with internal and published modifications).

NM_001378778.1(MPDZ):c.3896C>G (p.Pro1299Arg)

Gene: MPDZ (multiple PDZ domain crumbs cell polarity complex component; minus strand). Cytogenetic location: 9p23.
Variant type: single nucleotide variant.
Coding change: c.3896C>G on transcript NM_001378778.1 (MANE Select); coding-DNA position 3896, C replaced by G.
Protein change: p.Pro1299Arg; replaces proline 1299 with arginine.
Molecular consequence: missense variant.
Genome position (GRCh38, 1-based): chr9:13,140,094, G>C on the plus strand (C>G on the coding strand, the complement: MPDZ is on the minus strand). VCF-style: chr9-13140094-G-C. GRCh37 (hg19) VCF-style: chr9-13140093-G-C.
Other names: c.3797C>G, p.Pro1266Arg (NM_001261406.2, NM_001261407.2, NM_001375416.1 and 3 more transcripts); c.3896C>G, p.Pro1299Arg (NM_001330637.2, NM_001375413.1, NM_003829.5); c.3686C>G, p.Pro1229Arg (NM_001375420.1, NM_001375421.1, NM_001375422.1 and 4 more transcripts); c.3488C>G, p.Pro1163Arg (NM_001375427.1); short protein forms P1163R, P1229R, P1266R, P1299R.
Identifiers: ClinVar variation 746146 (VCV000746146.13), dbSNP rs187434398, ClinGen allele CA4986918.
Genomic context (GRCh38, chr9:13,140,094, plus strand): 5'-TTGCTTGCAGATGACTGTGTGTGATCACTACCCATTTCGGCAAAGGCTGAAGGAGGGGGT[G>C]GGGGCACACTGCACAATGGAGCCTTCTCTGGCTCTGACTCTGACTGACTGGGTGCCTGTG-3'
Protein context (NP_001365707.1, residues 1289-1309): PEKAPLCSVP[Pro1299Arg]PPPSAFAEMG